The following is an entry in ClinVar:

ClinVar aggregate classification (germline): Uncertain significance. Review status: criteria provided, multiple submitters, no conflicts (2 of 4 stars). 6 submissions from 6 submitters: Uncertain significance (6). Last evaluated 2026-01-12.

Conditions:
Autosomal dominant nonsyndromic hearing loss 1. Also called: DEAFNESS, AUTOSOMAL DOMINANT 1, WITH OR WITHOUT THROMBOCYTOPENIA; KONIGSMARK SYNDROME. Identifiers: Orphanet 90635, MedGen C1852282, MONDO:0007424, OMIM 124900.
Progressive microcephaly-seizures-cortical blindness-developmental delay syndrome. Also called: Seizures, cortical blindness, and microcephaly syndrome. Identifiers: Orphanet 477814, MedGen C5567650, MONDO:0014714, OMIM 616632.
Inborn genetic diseases. Identifiers: MedGen C0950123, MeSH D030342.

Allele frequency attached by ClinVar (database versions not stated): gnomAD exomes 0.00005 and 0.00006; gnomAD 0.00006 and 0.00007; TOPMed 0.00006; ESP Exome Variant Server 0.00008; ExAC 0.00009; 1000 Genomes Project 30x 0.00016; 1000 Genomes Project 0.00020.
gnomAD v4.1: 87 of 1,614,130 alleles (0.0054%); highest among the groups gnomAD compares: Middle Eastern, 0.082%; no homozygotes.

Submissions (6):

Labcorp Genetics (formerly Invitae), Labcorp
Classification: Uncertain significance for Progressive microcephaly-seizures-cortical blindness-developmental delay syndrome; Autosomal dominant nonsyndromic hearing loss 1. Last evaluated: 2026-01-12. Review status: criteria provided, single submitter. Criteria: Invitae Variant Classification Sherloc (09022015). Collection method: clinical testing. Allele origin: germline.
Comment: This sequence change replaces alanine, which is neutral and non-polar, with threonine, which is neutral and polar, at codon 73 of the DIAPH1 protein (p.Ala73Thr). This variant is present in population databases (rs184081055, gnomAD 0.01%). This variant has not been reported in the literature in individuals affected with DIAPH1-related conditions. ClinVar contains an entry for this variant (Variation ID: 575565). An algorithm developed to predict the effect of missense changes on protein structure and function outputs the following: PolyPhen-2: "Not Available". The threonine amino acid residue is found in multiple mammalian species, which suggests that this missense change does not adversely affect protein function. In summary, the available evidence is currently insufficient to determine the role of this variant in disease. Therefore, it has been classified as a Variant of Uncertain Significance.

Blueprint Genetics
Classification: Uncertain significance. Last evaluated: 2023-11-24. Review status: criteria provided, single submitter. Criteria: ACMG Guidelines, 2015. Collection method: clinical testing. Allele origin: germline.

Ambry Genetics
Classification: Uncertain significance for Inborn genetic diseases. Last evaluated: 2021-06-18. Review status: criteria provided, single submitter. Criteria: Ambry Variant Classification Scheme 2023. Collection method: clinical testing. Allele origin: germline.

GeneDx
Classification: Uncertain significance. Last evaluated: 2020-09-11. Review status: criteria provided, single submitter. Criteria: GeneDx Variant Classification Process June 2021. Collection method: clinical testing. Allele origin: germline. Affected: yes.
Comment: In silico analysis, which includes protein predictors and evolutionary conservation, supports that this variant does not alter protein structure/function; Has not been previously published as pathogenic or benign to our knowledge

Department of Pathology and Laboratory Medicine, Sinai Health System
Classification: Uncertain significance for Autosomal dominant nonsyndromic hearing loss 1; Progressive microcephaly-seizures-cortical blindness-developmental delay syndrome. Last evaluated: 2020-06-01. Review status: criteria provided, single submitter. Criteria: ACMG Guidelines, 2015. Collection method: research. Allele origin: germline.

Illumina Laboratory Services, Illumina
Classification: Uncertain significance for Autosomal dominant nonsyndromic hearing loss 1. Last evaluated: 2018-01-12. Review status: criteria provided, single submitter. Criteria: ICSL Variant Classification Criteria 13 December 2019. Collection method: clinical testing. Allele origin: germline.

NM_005219.5(DIAPH1):c.217G>A (p.Ala73Thr)

Gene: DIAPH1 (diaphanous related formin 1; minus strand). Cytogenetic location: 5q31.3.
Variant type: single nucleotide variant.
Coding change: c.217G>A on transcript NM_005219.5 (MANE Select); coding-DNA position 217, G replaced by A.
Protein change: p.Ala73Thr; replaces alanine 73 with threonine.
Molecular consequence: missense variant.
Genome position (GRCh38, 1-based): chr5:141,587,125, C>T on the plus strand (G>A on the coding strand, the complement: DIAPH1 is on the minus strand). VCF-style: chr5-141587125-C-T. GRCh37 (hg19) VCF-style: chr5-140966692-C-T.
Other names: c.190G>A, p.Ala64Thr (NM_001079812.3); c.217G>A, p.Ala73Thr (NM_001314007.2); short protein forms A64T, A73T.
Identifiers: ClinVar variation 575565 (VCV000575565.17), dbSNP rs184081055, ClinGen allele CA3479664.